The following is an entry in ClinVar:

NM_025193.4(HSD3B7):c.522C>T (p.Asn174=)

Gene: HSD3B7 (hydroxy-delta-5-steroid dehydrogenase, 3 beta- and steroid delta-isomerase 7; plus strand). Cytogenetic location: 16p11.2.
Variant type: single nucleotide variant.
Coding change: c.522C>T on transcript NM_025193.4 (MANE Select); coding-DNA position 522, C replaced by T.
Protein change: p.Asn174=; no amino-acid change (asparagine 174 retained).
Molecular consequence: synonymous variant.
Genome position (GRCh38, 1-based): chr16:30,986,695, C>T. VCF-style: chr16-30986695-C-T. GRCh37 (hg19) VCF-style: chr16-30998016-C-T.
Other names: c.522C>T, p.Asn174= (NM_001142777.2, NM_001142778.2); c.522C>T (NM_025193.3).
Identifiers: ClinVar variation 3715976 (VCV003715976.3).

ClinVar aggregate classification (germline): Likely benign. Review status: criteria provided, multiple submitters, no conflicts (2 of 4 stars). 2 submissions from 2 submitters: Likely benign (2). Last evaluated 2025-11-27.

Conditions:
HSD3B7-related disorder. Also called: HSD3B7-related condition.

gnomAD v4.1: 28 of 1,613,966 alleles (0.0017%); highest among the groups gnomAD compares: African/African-American, 0.0093%; no homozygotes.

Submissions (2):

Labcorp Genetics (formerly Invitae), Labcorp
Classification: Likely benign. Last evaluated: 2025-11-27. Review status: criteria provided, single submitter. Criteria: Invitae Variant Classification Sherloc (09022015). Collection method: clinical testing. Allele origin: germline.

PreventionGenetics, part of Exact Sciences
Classification: Likely benign for HSD3B7-related condition. Last evaluated: 2025-07-02. Review status: criteria provided, single submitter. Criteria: ACMG Guidelines, 2015. Collection method: clinical testing. Allele origin: germline.
Comment: This variant is classified as likely benign based on ACMG/AMP sequence variant interpretation guidelines (Richards et al. 2015 PMID: 25741868, with internal and published modifications).